The following is an entry in ClinVar:

ClinVar aggregate classification (germline): Uncertain significance (1 of 4 stars; one submission).

Submission:

GeneDx
Classification: Uncertain significance. Last evaluated: 2023-12-15. Review status: criteria provided, single submitter. Criteria: GeneDx Variant Classification Process June 2021. Collection method: clinical testing. Allele origin: germline. Affected: yes.
Comment: Not observed at significant frequency in large population cohorts (gnomAD); In silico analysis supports that this missense variant does not alter protein structure/function; Has not been previously published as pathogenic or benign to our knowledge

NM_020638.3(FGF23):c.178C>T (p.His60Tyr)

Gene: FGF23 (fibroblast growth factor 23; minus strand). Cytogenetic location: 12p13.32.
Variant type: single nucleotide variant.
Coding change: c.178C>T on transcript NM_020638.3 (MANE Select); coding-DNA position 178, C replaced by T.
Protein change: p.His60Tyr; replaces histidine 60 with tyrosine.
Molecular consequence: missense variant.
Genome position (GRCh38, 1-based): chr12:4,379,405, G>A on the plus strand (C>T on the coding strand, the complement: FGF23 is on the minus strand). VCF-style: chr12-4379405-G-A. GRCh37 (hg19) VCF-style: chr12-4488571-G-A.
Other names: short protein forms H60Y.
Identifiers: ClinVar variation 3365592 (VCV003365592.1).